The following is an entry in ClinVar:

NM_145239.3(PRRT2):c.842G>A (p.Trp281Ter)

Genes: MVP-DT (MVP divergent transcript; minus strand), PRRT2 (proline rich transmembrane protein 2; plus strand). Cytogenetic location: 16p11.2.
Variant type: single nucleotide variant.
Coding change: c.842G>A on transcript NM_145239.3 (MANE Select); coding-DNA position 842, G replaced by A.
Protein change: p.Trp281Ter; replaces tryptophan 281 with a stop codon.
Molecular consequence: nonsense.
Genome position (GRCh38, 1-based): chr16:29,813,896, G>A. VCF-style: chr16-29813896-G-A. GRCh37 (hg19) VCF-style: chr16-29825217-G-A.
Other names: c.842G>A, p.Trp281Ter (NM_001256442.2, NM_001256443.2); short protein forms W281*.
Identifiers: ClinVar variation 1076546 (VCV001076546.7), dbSNP rs2142427166, ClinGen allele CA395480070.

ClinVar aggregate classification (germline): Pathogenic (1 of 4 stars; one submission).

Conditions:
Episodic kinesigenic dyskinesia (EKD). Also called: Paroxysmal kinesigenic dyskinesia. Identifiers: Orphanet 98809, MedGen C1868682, MONDO:0044202.

Allele frequency attached by ClinVar (database versions not stated): gnomAD exomes below 0.00001.

Submission:

Labcorp Genetics (formerly Invitae), Labcorp
Classification: Pathogenic for Episodic kinesigenic dyskinesia. Last evaluated: 2022-08-22. Review status: criteria provided, single submitter. Criteria: Invitae Variant Classification Sherloc (09022015). Collection method: clinical testing. Allele origin: germline.
Comment: For these reasons, this variant has been classified as Pathogenic. Algorithms developed to predict the effect of sequence changes on RNA splicing suggest that this variant may create or strengthen a splice site. ClinVar contains an entry for this variant (Variation ID: 1076546). This variant has not been reported in the literature in individuals affected with PRRT2-related conditions. This variant is not present in population databases (gnomAD no frequency). This sequence change creates a premature translational stop signal (p.Trp281*) in the PRRT2 gene. It is expected to result in an absent or disrupted protein product. Loss-of-function variants in PRRT2 are known to be pathogenic (PMID: 22623405, 22744660).

Literature cited by the submitters: PubMed 22623405; PubMed 22744660.